The following is an entry in ClinVar:

ClinVar aggregate classification (germline): Uncertain significance (1 of 4 stars; one submission).

Conditions:
Hypertrophic cardiomyopathy 26. Also called: Cardiomyopathy, familial hypertrophic, 26. Identifiers: Orphanet 75249, MedGen C4310749, MONDO:0014883, OMIM 617047.
Myofibrillar myopathy 5. Also called: Filaminopathy (type); FILAMINOPATHY, AUTOSOMAL DOMINANT. Identifiers: Orphanet 171445, MedGen C1836050, MONDO:0012289, OMIM 609524.
Distal myopathy with posterior leg and anterior hand involvement. Also called: WILLIAMS DISTAL MYOPATHY. Identifiers: Orphanet 63273, MedGen C3279722, MONDO:0013550, OMIM 614065.

gnomAD v4.1: 2 of 1,613,906 alleles (0.00012%); highest among the groups gnomAD compares: Non-Finnish European, 0.00017%; no homozygotes.

Submission:

Labcorp Genetics (formerly Invitae), Labcorp
Classification: Uncertain significance for Distal myopathy with posterior leg and anterior hand involvement; Myofibrillar myopathy 5; Hypertrophic cardiomyopathy 26. Last evaluated: 2026-01-14. Review status: criteria provided, single submitter. Criteria: Invitae Variant Classification Sherloc (09022015). Collection method: clinical testing. Allele origin: germline.
Comment: This sequence change replaces isoleucine, which is neutral and non-polar, with valine, which is neutral and non-polar, at codon 1937 of the FLNC protein (p.Ile1937Val). This variant is not present in population databases (gnomAD no frequency). This variant has not been reported in the literature in individuals affected with FLNC-related conditions. Invitae Evidence Modeling of protein sequence and biophysical properties (such as structural, functional, and spatial information, amino acid conservation, physicochemical variation, residue mobility, and thermodynamic stability) has been performed for this missense variant. However, the output from this modeling did not meet the statistical confidence thresholds required to predict the impact of this variant on FLNC protein function. This variant disrupts the p.Ile1937 amino acid residue in FLNC. Other variant(s) that disrupt this residue have been determined to be pathogenic (PMID: 36864778). This suggests that this residue is clinically significant, and that variants that disrupt this residue are likely to be disease-causing. In summary, the available evidence is currently insufficient to determine the role of this variant in disease. Therefore, it has been classified as a Variant of Uncertain Significance.

Literature cited by the submitters: PubMed 36864778.

NM_001458.5(FLNC):c.5809A>G (p.Ile1937Val)

Genes: FLNC (filamin C; plus strand), FLNC-AS1 (FLNC antisense RNA 1; minus strand). Cytogenetic location: 7q32.1.
Variant type: single nucleotide variant.
Coding change: c.5809A>G on transcript NM_001458.5 (MANE Select); coding-DNA position 5809, A replaced by G.
Protein change: p.Ile1937Val; replaces isoleucine 1937 with valine.
Molecular consequence: missense variant.
Genome position (GRCh38, 1-based): chr7:128,851,595, A>G. VCF-style: chr7-128851595-A-G. GRCh37 (hg19) VCF-style: chr7-128491649-A-G.
Other names: c.5710A>G, p.Ile1904Val (NM_001127487.2); short protein forms I1904V, I1937V.
Identifiers: ClinVar variation 4812592 (VCV004812592.1).